The following is an entry in ClinVar:

ClinVar aggregate classification (germline): Uncertain significance (1 of 4 stars; one submission).

Conditions:
Glycogen storage disease, type II (IOPD). Also called: Pompe Disease; CARDIOMEGALIA GLYCOGENICA DIFFUSA; GLYCOGENOSIS, GENERALIZED, CARDIAC FORM; GSD II; POMPE DISEASE, INFANTILE-ONSET; GLYCOGEN STORAGE DISEASE II, INFANTILE-ONSET. Identifiers: Orphanet 365, MedGen C0017921, MONDO:0009290, OMIM 232300.

Submission:

Genomenon, Inc
Classification: Uncertain significance for Glycogen storage disease, type II. Last evaluated: 2026-07-01. Review status: criteria provided, single submitter. Criteria: Genomenon Sequence Variant Interpretation Standards - Updated. Collection method: curation. Allele origin: germline. Affected: yes.
Comment: GAA p.Leu705Pro (c.2114T>C) is a missense variant that changes the amino acid at codon 705 from Leucine to Proline. This variant has been observed in at least one proband with a GAA-related disorder in the compound heterozygous and/or homozygous state (PMID:25681614). It is absent or not present at a significant frequency in gnomAD. In silico models predict that this variant is possibly or probably damaging. In conclusion, we classify GAA p.Leu705Pro (c.2114T>C) as a variant of uncertain significance.

Literature cited by the submitters: PubMed 25681614.

NM_000152.5(GAA):c.2114T>C (p.Leu705Pro)

Gene: GAA (alpha glucosidase; plus strand). Cytogenetic location: 17q25.3.
Variant type: single nucleotide variant.
Coding change: c.2114T>C on transcript NM_000152.5 (MANE Select); coding-DNA position 2114, T replaced by C.
Protein change: p.Leu705Pro; replaces leucine 705 with proline.
Molecular consequence: missense variant.
Genome position (GRCh38, 1-based): chr17:80,113,291, T>C. VCF-style: chr17-80113291-T-C. GRCh37 (hg19) VCF-style: chr17-78087090-T-C.
Other names: c.2114T>C, p.Leu705Pro (NM_001079803.3, NM_001079804.3, NM_001406741.1 and 1 more transcripts); short protein forms L705P.
Identifiers: ClinVar variation 4876590 (VCV004876590.1).
Genomic context (GRCh38, chr17:80,113,291, plus strand): 5'-ACAGCTTCAGCGAGCCGGCCCAGCAGGCCATGAGGAAGGCCCTCACCCTGCGCTACGCAC[T>C]CCTCCCCCACCTCTACACACTGTTCCACCAGGCCCACGTCGCGGGGGAGACCGTGGCCCG-3'
Protein context (NP_000143.2, residues 695-715): MRKALTLRYA[Leu705Pro]LPHLYTLFHQ